The following is an entry in ClinVar:

ClinVar aggregate classification (germline): Pathogenic/Likely pathogenic. Review status: criteria provided, multiple submitters, no conflicts (2 of 4 stars). 5 submissions from 5 submitters: Pathogenic (3); Likely pathogenic (2). Last evaluated 2025-07-02.

Conditions:
FLCN-related disorder. Also called: FLCN-related condition.
Hereditary cancer-predisposing syndrome. Also called: Hereditary Cancer Syndrome; Tumor predisposition; Hereditary neoplastic syndrome; Neoplastic Syndromes, Hereditary. Identifiers: Orphanet 140162, MedGen C0027672, MeSH D009386, MONDO:0015356.
Birt-Hogg-Dube syndrome. Also called: Birt Hogg Dubé syndrome. Identifiers: Orphanet 122, MedGen C0346010, MONDO:0800444.

Submissions (5):

PreventionGenetics, part of Exact Sciences
Classification: Pathogenic for FLCN-related condition. Last evaluated: 2025-07-02. Review status: criteria provided, single submitter. Criteria: ACMG Guidelines, 2015. Collection method: clinical testing. Allele origin: germline.
Comment: The FLCN c.1584delC variant is predicted to result in a frameshift and premature protein termination (p.Glu530Argfs*7). This variant has been reported in the literature in an individual with recurrent pneumothorax (Moran et al. 2021. DOI 10.1016/j.chest.2021.07.1321). This variant has not been reported in a large population database (gnomAD), indicating this variant is rare. This variant is classified as pathogenic/likely pathogenic in ClinVar. Frameshift variants in FLCN are expected to be pathogenic. This variant is interpreted as pathogenic.

Labcorp Genetics (formerly Invitae), Labcorp
Classification: Pathogenic for Birt-Hogg-Dube syndrome. Last evaluated: 2025-04-28. Review status: criteria provided, single submitter. Criteria: Invitae Variant Classification Sherloc (09022015). Collection method: clinical testing. Allele origin: germline.
Comment: This sequence change creates a premature translational stop signal (p.Glu530Argfs*7) in the FLCN gene. While this is not anticipated to result in nonsense mediated decay, it is expected to disrupt the last 50 amino acid(s) of the FLCN protein. This variant is not present in population databases (gnomAD no frequency). This variant has not been reported in the literature in individuals affected with FLCN-related conditions. ClinVar contains an entry for this variant (Variation ID: 428639). This variant disrupts a region of the FLCN protein in which other variant(s) (p.Trp553*) have been determined to be pathogenic (PMID: 28558743). This suggests that this is a clinically significant region of the protein, and that variants that disrupt it are likely to be disease-causing. For these reasons, this variant has been classified as Pathogenic.

Ambry Genetics
Classification: Pathogenic for Hereditary cancer-predisposing syndrome. Last evaluated: 2022-07-26. Review status: criteria provided, single submitter. Criteria: Ambry Variant Classification Scheme 2023. Collection method: clinical testing. Allele origin: germline.
Comment: The c.1584delC pathogenic mutation, located in coding exon 11 of the FLCN gene, results from a deletion of one nucleotide at nucleotide position 1584, causing a translational frameshift with a predicted alternate stop codon (p.E530Rfs*7). This alteration occurs at the 3' terminus of theFLCN gene, is not expected to trigger nonsense-mediated mRNA decay, and only impacts the last 50 amino acids of the protein. However, premature stop codons are typically deleterious in nature and the impacted region is critical for protein function (Ambry internal data). This alteration has been observed in at least one individual with a personal and/or family history that is consistent with FLCN-related disease (Ambry internal data). This variant is also considered to be rare based on population cohorts in the Genome Aggregation Database (gnomAD). Based on the supporting evidence, this alteration is interpreted as a disease-causing mutation.

Sema4
Classification: Likely pathogenic for Hereditary cancer-predisposing syndrome. Last evaluated: 2022-02-12. Review status: criteria provided, single submitter. Criteria: Sema4 Curation Guidelines. Collection method: curation. Allele origin: germline.
Comment: The FLCN c.1584delC (p.E530RfsX7) variant has not been reported in the literature to our knowledge. As this variant is not predicted to cause nonsense-mediated decay, the protein product is expected to be truncated. This variant is not reported in the Genome Aggregation Database (PMID: 32461654). The variant has been reported in ClinVar (Variation ID: 428639). Based on the current evidence available, this variant is interpreted as likely pathogenic.

GeneDx
Classification: Likely pathogenic. Last evaluated: 2017-09-15. Review status: criteria provided, single submitter. Criteria: GeneDx Variant Classification (06012015). Collection method: clinical testing. Allele origin: germline. Affected: yes.
Comment: This deletion of one nucleotide in FLCN is denoted c.1584delC at the cDNA level and p.Glu530ArgfsX7 (E530RfsX7) at the protein level. The normal sequence, with the base that is deleted in brackets, is GACC[delC]AAAG. The deletion causes a frameshift which changes a Glutamic Acid to an Arginine at codon 530, and creates a premature stop codon at position 7 of the new reading frame. Although this variant has not, to our knowledge, been reported in the literature, it is predicted to cause loss of normal protein function through protein truncation. Based on the currently available information, we consider this deletion to be a likely pathogenic variant.

Literature cited by the submitters: PubMed 28558743 (cited by Labcorp Genetics (formerly Invitae), Labcorp).

NM_144997.7(FLCN):c.1584del (p.Glu530fs)

Gene: FLCN (folliculin; minus strand). Cytogenetic location: 17p11.2.
Variant type: Deletion.
Coding change: c.1584del on transcript NM_144997.7 (MANE Select); coding-DNA position 1584, one base deleted (C; older notation c.1584delC).
Protein change: p.Glu530fs; shifts the reading frame from glutamic acid 530.
Molecular consequence: frameshift variant.
Genome position (GRCh38, 1-based): chr17:17,213,811, G deleted on the plus strand (C on the coding strand, the reverse complement: FLCN is on the minus strand); the first of 3 consecutive G bases (chr17:17,213,811-17,213,813); deleting any one gives the same sequence. VCF-style (leftmost placement, unchanged base first): chr17-17213810-TG-T. GRCh37 (hg19) VCF-style: chr17-17117124-TG-T.
Other names: c.1584del (LRG_325t1); c.1638del, p.Glu548fs (NM_001353229.2); c.1584del, p.Glu530fs (NM_001353230.2, NM_001353231.2); short protein forms E548fs, E530fs.
Identifiers: ClinVar variation 428639 (VCV000428639.16), dbSNP rs1131690827, ClinGen allele CA645369642.